The following is an entry in ClinVar:

NM_001308093.3(GATA4):c.41C>G (p.Pro14Arg)

Gene: GATA4 (GATA binding protein 4). Cytogenetic location: 8p23.1.
Variant type: single nucleotide variant.
Coding change: c.41C>G on transcript NM_001308093.3 (MANE Select); coding-DNA position 41, C replaced by G.
Protein change: p.Pro14Arg; replaces proline 14 with arginine.
Molecular consequence: missense variant. On other transcripts: intron variant (3).
Genome position (GRCh38, 1-based): chr8:11,708,353, C>G. VCF-style: chr8-11708353-C-G. GRCh37 (hg19) VCF-style: chr8-11565862-C-G.
Other names: c.41C>G, p.Pro14Arg (NM_002052.5); c.-6+7575C>G (NM_001308094.2); c.-3+339C>G (NM_001374274.1); c.-3+4049C>G (NM_001374273.1); short protein forms P14R.
Identifiers: ClinVar variation 1691747 (VCV001691747.7), dbSNP rs996317979, ClinGen allele CA172074401.

ClinVar aggregate classification (germline): Uncertain significance. Review status: criteria provided, multiple submitters, no conflicts (2 of 4 stars). 3 submissions from 3 submitters: Uncertain significance (3). Last evaluated 2025-01-23.

Conditions:
Cardiovascular phenotype. Identifiers: MedGen CN230736.
Atrioventricular septal defect 4 (AVSD4). Identifiers: MedGen C3280781, MONDO:0013747, OMIM 614430.

Allele frequency attached by ClinVar (database versions not stated): gnomAD 0.00001.
gnomAD v4.1: 13 of 1,582,932 alleles (0.00082%); highest among the groups gnomAD compares: Non-Finnish European, 0.001%; no homozygotes.

Submissions (3):

Labcorp Genetics (formerly Invitae), Labcorp
Classification: Uncertain significance for Atrioventricular septal defect 4. Last evaluated: 2025-01-23. Review status: criteria provided, single submitter. Criteria: Invitae Variant Classification Sherloc (09022015). Collection method: clinical testing. Allele origin: germline.
Comment: This sequence change replaces proline, which is neutral and non-polar, with arginine, which is basic and polar, at codon 14 of the GATA4 protein (p.Pro14Arg). This variant is not present in population databases (gnomAD no frequency). This variant has not been reported in the literature in individuals affected with GATA4-related conditions. ClinVar contains an entry for this variant (Variation ID: 1691747). Invitae Evidence Modeling of protein sequence and biophysical properties (such as structural, functional, and spatial information, amino acid conservation, physicochemical variation, residue mobility, and thermodynamic stability) has been performed for this missense variant. However, the output from this modeling did not meet the statistical confidence thresholds required to predict the impact of this variant on GATA4 protein function. In summary, the available evidence is currently insufficient to determine the role of this variant in disease. Therefore, it has been classified as a Variant of Uncertain Significance.

Ambry Genetics
Classification: Uncertain significance for Cardiovascular phenotype. Last evaluated: 2022-10-21. Review status: criteria provided, single submitter. Criteria: Ambry Variant Classification Scheme 2023. Collection method: clinical testing. Allele origin: germline.
Comment: The p.P14R variant (also known as c.41C>G), located in coding exon 1 of the GATA4 gene, results from a C to G substitution at nucleotide position 41. The proline at codon 14 is replaced by arginine, an amino acid with dissimilar properties. This amino acid position is conserved. In addition, this alteration is predicted to be tolerated by in silico analysis. Since supporting evidence is limited at this time, the clinical significance of this alteration remains unclear.

GeneDx
Classification: Uncertain significance. Last evaluated: 2021-12-10. Review status: criteria provided, single submitter. Criteria: GeneDx Variant Classification Process June 2021. Collection method: clinical testing. Allele origin: germline. Affected: yes.
Comment: Has not been previously published as pathogenic or benign to our knowledge; Not observed at significant frequency in large population cohorts (gnomAD); In silico analysis supports that this missense variant has a deleterious effect on protein structure/function